The following is an entry in ClinVar:

NM_000030.3(AGXT):c.865C>T (p.Arg289Cys)

Gene: AGXT (alanine--glyoxylate aminotransferase; plus strand). Cytogenetic location: 2q37.3.
Variant type: single nucleotide variant.
Coding change: c.865C>T on transcript NM_000030.3 (MANE Select); coding-DNA position 865, C replaced by T.
Protein change: p.Arg289Cys; replaces arginine 289 with cysteine.
Molecular consequence: missense variant.
Genome position (GRCh38, 1-based): chr2:240,877,555, C>T. VCF-style: chr2-240877555-C-T. GRCh37 (hg19) VCF-style: chr2-241816972-C-T.
Other names: short protein forms R289C.
Identifiers: ClinVar variation 204055 (VCV000204055.17), dbSNP rs180177290, ClinGen allele CA275598.
Genomic context (GRCh38, chr2:240,877,555, plus strand): 5'-CCCCACCCATGTCACTGCCCACCAGCGCCATCTCCCACACAGGGCCTGGAGAACAGCTGG[C>T]GCCAGCACCGCGAGGCCGCGGCGTATCTGCATGGGCGCCTGCAGGCACTGGGGCTGCAGC-3'
Protein context (NP_000021.1, residues 279-299): IAEQGLENSW[Arg289Cys]QHREAAAYLH

ClinVar aggregate classification (germline): Uncertain significance. Review status: criteria provided, multiple submitters, no conflicts (2 of 4 stars). 8 submissions from 8 submitters: Uncertain significance (6). 2 of the submissions do not count toward it. Last evaluated 2025-12-19.

Conditions:
Primary hyperoxaluria, type I (HP1). Also called: GLYCOLIC ACIDURIA; HEPATIC AGT DEFICIENCY; OXALOSIS I; Primary hyperoxaluria type 1. Identifiers: Orphanet 416, Orphanet 93598, MedGen C0268164, MONDO:0009823, OMIM 259900. Disease mechanism: loss of function.

Allele frequency attached by ClinVar (database versions not stated): gnomAD 0.00043; TOPMed 0.00037; gnomAD exomes 0.00039; ESP Exome Variant Server 0.00042; ExAC 0.00073.

Submissions (8):

Women's Health and Genetics/Laboratory Corporation of America, LabCorp
Classification: Uncertain significance. Last evaluated: 2025-12-19. Review status: criteria provided, single submitter. Criteria: LabCorp Variant Classification Summary - May 2015. Collection method: clinical testing. Allele origin: germline.
Comment: Variant summary: AGXT c.865C>T (p.Arg289Cys) results in a non-conservative amino acid change located in the Aminotransferase class V domain (IPR000192) of the encoded protein sequence. Algorithms developed to predict the effect of missense changes on protein structure and function all suggest that this variant is likely to be disruptive. The variant allele was found at a frequency of 0.00039 in 152912 control chromosomes. This frequency is not significantly higher than estimated for disease-causing variants in AGXT, allowing no conclusion about variant significance. The variant, c.865C>T, has been observed in homozygous state in a family in two individuals affected with Primary Hyperoxaluria (PH) (Rinalt_1999, Frishberg_2005), however these patients also carried another missense variant in homozygous state, which potentially could explain the phenotype, although an additive effect also cannot be excluded. In addition, the variant has also been reported in a patient in compound heterozygous state (with pathogenic variant) (Alfadhel_2023), and in heterozygous state (i.e. without a second variant) (Cogal_2025). These data do not allow clear conclusions about variant significance. Publications reported experimental evidence evaluating an impact on protein function, and one demonstrate no significant effect on protein stability in a yeast-based expression system, while another study using a human liver cell line revealed about 50% decrease in protein level- and activity compared to the control (Gatticchi_2025). The following publications have been ascertained in the context of this evaluation (PMID: 36409364, 15961946, 22923379, 10541294, 40794449, 40683450). ClinVar contains an entry for this variant (Variation ID: 204055). Based on the evidence outlined above, the variant was classified as VUS-possibly pathogenic.

Rare Kidney Stone Consortium and the Mayo Clinic Hyperoxaluria Center, Mayo Clinic
Classification: Uncertain significance for Primary hyperoxaluria, type I. Last evaluated: 2025-10-03. Review status: criteria provided, single submitter. Criteria: ACMG Guidelines, 2015. Collection method: research. Allele origin: germline. Observed: 1 variant allele.
Comment: ACMG:PM1, PM2, PP2, PP3

Fulgent Genetics
Classification: Uncertain significance for Primary hyperoxaluria, type I. Last evaluated: 2024-03-14. Review status: criteria provided, single submitter. Criteria: ACMG Guidelines, 2015. Collection method: clinical testing. Allele origin: germline.

Revvity Omics, Revvity
Classification: Uncertain significance for Primary hyperoxaluria, type I. Last evaluated: 2023-10-20. Review status: criteria provided, single submitter. Criteria: ACMG Guidelines, 2015. Collection method: clinical testing. Allele origin: germline.

Labcorp Genetics (formerly Invitae), Labcorp
Classification: Uncertain significance. Last evaluated: 2020-10-07. Review status: criteria provided, single submitter. Criteria: Invitae Variant Classification Sherloc (09022015). Collection method: clinical testing. Allele origin: germline.
Comment: This sequence change replaces arginine with cysteine at codon 289 of the AGXT protein (p.Arg289Cys). The arginine residue is moderately conserved and there is a large physicochemical difference between arginine and cysteine. This variant is present in population databases (rs180177290, ExAC 0.1%). This variant has been observed in individual(s) withprimary hyperoxaluria (PMID: 10541294). ClinVar contains an entry for this variant (Variation ID: 204055). Experimental studies have shown that this variant does not substantially affect AGXT protein function (PMID: 22923379). In summary, the available evidence is currently insufficient to determine the role of this variant in disease. Therefore, it has been classified as a Variant of Uncertain Significance.

Illumina Laboratory Services, Illumina
Classification: Uncertain significance for Primary hyperoxaluria, type I. Last evaluated: 2017-04-28. Review status: criteria provided, single submitter. Criteria: ICSL Variant Classification Criteria 13 December 2019. Collection method: clinical testing. Allele origin: germline.
Comment: This variant was observed as part of a predisposition screen in an ostensibly healthy population. A literature search was performed for the gene, cDNA change, and amino acid change (where applicable). Publications were found based on this search. However, the evidence from the literature, in combination with allele frequency data from public databases where available, was not sufficient to rule this variant in or out of causing disease. Therefore, this variant is classified as a variant of unknown significance.

Counsyl
Classification: Uncertain significance for Primary hyperoxaluria, type I. Last evaluated: 2017-08-25. Review status: no assertion criteria provided. Collection method: clinical testing. Allele origin: unknown. Not counted in ClinVar's aggregate classification.

Clinical Biochemistry Laboratory, Health Services Laboratory
Classification: Uncertain significance for Primary hyperoxaluria, type I. Last evaluated: 2014-11-27. Review status: no assertion criteria provided. Collection method: in vitro. Allele origin: germline. Affected: yes. Not counted in ClinVar's aggregate classification.

Literature cited by the submitters: PubMed 22923379 (cited by 5 submitters); PubMed 15961946 (cited by Women's Health and Genetics/Laboratory Corporation of America, LabCorp and Illumina Laboratory Services, Illumina); PubMed 10541294 (cited by 6 submitters); PubMed 36409364 (cited by Women's Health and Genetics/Laboratory Corporation of America, LabCorp and Rare Kidney Stone Consortium and the Mayo Clinic Hyperoxaluria Center, Mayo Clinic); PubMed 40794449 (cited by Women's Health and Genetics/Laboratory Corporation of America, LabCorp and Rare Kidney Stone Consortium and the Mayo Clinic Hyperoxaluria Center, Mayo Clinic); PubMed 40683450 (cited by Women's Health and Genetics/Laboratory Corporation of America, LabCorp); PubMed 28906061 (cited by Rare Kidney Stone Consortium and the Mayo Clinic Hyperoxaluria Center, Mayo Clinic); PubMed 34426522 (cited by Rare Kidney Stone Consortium and the Mayo Clinic Hyperoxaluria Center, Mayo Clinic).